The following is an entry in ClinVar:

ClinVar aggregate classification (germline): Conflicting classifications of pathogenicity. Review status: criteria provided, conflicting classifications (1 of 4 stars). 3 submissions from 3 submitters: Pathogenic (2); Uncertain significance (1). Last evaluated 2025-03-01.

Conditions:
Hereditary cancer-predisposing syndrome. Also called: Neoplastic Syndromes, Hereditary; Hereditary neoplastic syndrome; Tumor predisposition; Hereditary Cancer Syndrome. Identifiers: Orphanet 140162, MedGen C0027672, MeSH D009386, MONDO:0015356.
Cardiovascular phenotype. Identifiers: MedGen CN230736.
Neurofibromatosis, type 1 (NF1). Also called: Neurofibromatosis, type I; NEUROFIBROMATOSIS, TYPE I, SOMATIC; VON RECKLINGHAUSEN DISEASE; Peripheral type neurofibromatosis. Identifiers: Orphanet 636, MedGen C0027831, MONDO:0018975, OMIM 162200. Disease mechanism: loss of function.

Submissions (3):

Labcorp Genetics (formerly Invitae), Labcorp
Classification: Pathogenic for Neurofibromatosis, type 1. Last evaluated: 2025-03-01. Review status: criteria provided, single submitter. Criteria: Invitae Variant Classification Sherloc (09022015). Collection method: clinical testing. Allele origin: germline.
Comment: This sequence change affects a donor splice site in intron 41 of the NF1 gene. RNA analysis indicates that disruption of this splice site induces altered splicing and may result in an absent or altered protein product. This variant is not present in population databases (gnomAD no frequency). Disruption of this splice site has been observed in individual(s) with neurofibromatosis, type 1 (PMID: 23812910, 25074460). ClinVar contains an entry for this variant (Variation ID: 1687647). Studies have shown that disruption of this splice site results in skipping of exon 41, and produces a non-functional protein and/or introduces a premature termination codon (internal data). For these reasons, this variant has been classified as Pathogenic.

Ambry Genetics
Classification: Uncertain significance for Cardiovascular phenotype; Hereditary cancer-predisposing syndrome. Last evaluated: 2023-01-10. Review status: criteria provided, single submitter. Criteria: Ambry Variant Classification Scheme 2023. Collection method: clinical testing. Allele origin: germline.
Comment: The c.6364+2T>C intronic variant results from a T to C substitution two nucleotides after coding exon 41 in the NF1 gene. This nucleotide position is highly conserved in available vertebrate species. In silico splice site analysis predicts that this alteration will weaken the native splice donor site; however, direct evidence is insufficient at this time (Ambry internal data). Alterations that disrupt the canonical splice site are expected to cause aberrant splicing, resulting in an abnormal protein or a transcript that is subject to nonsense-mediated mRNA decay; however, +2T>C alterations are capable of generating wild-type transcripts in some genomic contexts and should be interpreted with caution (Lin JH et al. Hum Mutat. 2019 10;40:1856-1873). Since supporting evidence is limited at this time, the clinical significance of this alteration remains unclear.

GeneDx
Classification: Pathogenic. Last evaluated: 2022-05-20. Review status: criteria provided, single submitter. Criteria: GeneDx Variant Classification Process June 2021. Collection method: clinical testing. Allele origin: germline. Affected: yes.
Comment: Canonical splice site variant predicted to result in a null allele in a gene for which loss-of-function is a known mechanism of disease; Not observed at significant frequency in large population cohorts (gnomAD); Has not been previously published as pathogenic or benign to our knowledge; Also known as IVS33+2T>C; This variant is associated with the following publications: (PMID: 27535533)

Literature cited by the submitters: PubMed 23812910 (cited by Labcorp Genetics (formerly Invitae), Labcorp); PubMed 25074460 (cited by Labcorp Genetics (formerly Invitae), Labcorp).

NM_001042492.3(NF1):c.6427+2T>C

Gene: NF1 (neurofibromin 1; plus strand). Cytogenetic location: 17q11.2.
Variant type: single nucleotide variant.
Coding change: c.6427+2T>C on transcript NM_001042492.3 (MANE Select); the canonical splice donor site of the intron after coding-DNA position 6427, T replaced by C.
Molecular consequence: splice donor variant.
Genome position (GRCh38, 1-based): chr17:31,336,916, T>C. VCF-style: chr17-31336916-T-C. GRCh37 (hg19) VCF-style: chr17-29663934-T-C.
Other names: c.6364+2T>C (NM_000267.4).
Identifiers: ClinVar variation 1687647 (VCV001687647.6), dbSNP rs1567617158, ClinGen allele CA399012978.